The following is an entry in ClinVar:

NM_000059.4(BRCA2):c.5349A>G (p.Lys1783=)

Gene: BRCA2 (BRCA2 DNA repair associated; plus strand). Cytogenetic location: 13q13.1.
Variant type: single nucleotide variant.
Coding change: c.5349A>G on transcript NM_000059.4 (MANE Select); coding-DNA position 5349, A replaced by G.
Protein change: p.Lys1783=; no amino-acid change (lysine 1783 retained).
Molecular consequence: synonymous variant. On other transcripts: non-coding transcript variant (1), intron variant (2).
Genome position (GRCh38, 1-based): chr13:32,339,704, A>G. VCF-style: chr13-32339704-A-G. GRCh37 (hg19) VCF-style: chr13-32913841-A-G.
Other names: c.5349A>G, p.Lys1783= (NM_001406719.1, NM_001406720.1); c.1910-4854A>G (NM_001406721.1); c.425-4854A>G (NM_001406722.1).
Identifiers: ClinVar variation 2691475 (VCV002691475.2), dbSNP rs2137516617, ClinGen allele CA483438631.

ClinVar aggregate classification (germline): Likely benign. Review status: criteria provided, multiple submitters, no conflicts (2 of 4 stars). 2 submissions from 2 submitters: Likely benign (2). Last evaluated 2024-04-05.

Conditions:
Hereditary cancer-predisposing syndrome. Also called: Neoplastic Syndromes, Hereditary; Hereditary Cancer Syndrome; Tumor predisposition; Hereditary neoplastic syndrome. Identifiers: Orphanet 140162, MedGen C0027672, MeSH D009386, MONDO:0015356.

Submissions (2):

Ambry Genetics
Classification: Likely benign for Hereditary cancer-predisposing syndrome. Last evaluated: 2024-04-05. Review status: criteria provided, single submitter. Criteria: Ambry Variant Classification Scheme 2023. Collection method: clinical testing. Allele origin: germline.

Women's Health and Genetics/Laboratory Corporation of America, LabCorp
Classification: Likely benign. Last evaluated: 2023-12-07. Review status: criteria provided, single submitter. Criteria: LabCorp Variant Classification Summary - May 2015. Collection method: clinical testing. Allele origin: germline.
Comment: Variant summary: BRCA2 c.5349A>G alters a non-conserved nucleotide resulting in a synonymous change. The variant was absent in 250546 control chromosomes. The available data on variant occurrences in the general population are insufficient to allow any conclusion about variant significance. To our knowledge, no occurrence of c.5349A>G in individuals affected with Hereditary Breast And Ovarian Cancer Syndrome and no experimental evidence demonstrating its impact on protein function have been reported. No submitters have cited clinical-significance assessments for this variant to ClinVar after 2014. Based on the evidence outlined above, the variant was classified as likely benign.